The following is an entry in ClinVar:

NM_000235.4(LIPA):c.1194T>C (p.Tyr398=)

Gene: LIPA (lipase A, lysosomal acid type; minus strand). Cytogenetic location: 10q23.31.
Variant type: single nucleotide variant.
Coding change: c.1194T>C on transcript NM_000235.4 (MANE Select); coding-DNA position 1194, T replaced by C.
Protein change: p.Tyr398=; no amino-acid change (tyrosine 398 retained).
Molecular consequence: synonymous variant.
Genome position (GRCh38, 1-based): chr10:89,214,834, A>G on the plus strand (T>C on the coding strand, the complement: LIPA is on the minus strand). VCF-style: chr10-89214834-A-G. GRCh37 (hg19) VCF-style: chr10-90974591-A-G.
Other names: c.1194T>C, p.Tyr398= (NM_001127605.3); c.846T>C, p.Tyr282= (NM_001288979.2).
Identifiers: ClinVar variation 3016090 (VCV003016090.4), dbSNP rs1415255757, ClinGen allele CA470975214.

ClinVar aggregate classification (germline): Likely benign. Review status: criteria provided, multiple submitters, no conflicts (2 of 4 stars). 2 submissions from 2 submitters: Likely benign (2). Last evaluated 2024-12-03.

Conditions:
Wolman disease (WOLD). Also called: Acid cholesteryl ester hydrolase deficiency, Wolman type; Acid lipase disease; Wolman disease, CESD; Wolman disease with hypolipoproteinemia and acanthocytosis; LYSOSOMAL ACID LIPASE DEFICIENCY, ACUTE INFANTILE; LYSOSOMAL ACID LIPASE DEFICIENCY, COMPLETE. Identifiers: Orphanet 75233, MedGen C0043208, MONDO:0019148, OMIM 620151.
Lysosomal acid lipase deficiency. Also called: Acid cholesteryl ester hydrolase deficiency, type 2. Identifiers: Orphanet 275761, MedGen C5574740, MONDO:0800449, MONDO:0010204.

Submissions (2):

GENinCode PLC
Classification: Likely benign for Lysosomal acid lipase deficiency. Last evaluated: 2024-12-03. Review status: criteria provided, single submitter. Criteria: ACMG Guidelines, 2015. Collection method: clinical testing. Allele origin: germline.
Comment: This is a synonymous (silent) variant that is not predicted by SpliceAI to impact splicing. In addition, it occurs at a nucleotide that is not conserved. Therefore this variant has been classified as Likely Benign (BP4, BP7).

Labcorp Genetics (formerly Invitae), Labcorp
Classification: Likely benign for Wolman disease. Last evaluated: 2023-03-18. Review status: criteria provided, single submitter. Criteria: Invitae Variant Classification Sherloc (09022015). Collection method: clinical testing. Allele origin: germline.